The following is an entry in ClinVar:

ClinVar aggregate classification (germline): Uncertain significance (1 of 4 stars; one submission).

gnomAD v4.1: 1 of 1,613,188 alleles (0.000062%); highest among the groups gnomAD compares: Non-Finnish European, 0.000085%; no homozygotes.

Submission:

Labcorp Genetics (formerly Invitae), Labcorp
Classification: Uncertain significance. Last evaluated: 2024-07-10. Review status: criteria provided, single submitter. Criteria: Invitae Variant Classification Sherloc (09022015). Collection method: clinical testing. Allele origin: germline.
Comment: This sequence change replaces aspartic acid, which is acidic and polar, with glycine, which is neutral and non-polar, at codon 2 of the IKZF1 protein (p.Asp2Gly). This variant is not present in population databases (gnomAD no frequency). This variant has not been reported in the literature in individuals affected with IKZF1-related conditions. An algorithm developed to predict the effect of missense changes on protein structure and function (PolyPhen-2) suggests that this variant is likely to be tolerated. In summary, the available evidence is currently insufficient to determine the role of this variant in disease. Therefore, it has been classified as a Variant of Uncertain Significance.

NM_006060.6(IKZF1):c.5A>G (p.Asp2Gly)

Gene: IKZF1 (IKAROS family zinc finger 1; plus strand). Cytogenetic location: 7p12.2.
Variant type: single nucleotide variant.
Coding change: c.5A>G on transcript NM_006060.6 (MANE Select); coding-DNA position 5, A replaced by G.
Protein change: p.Asp2Gly; replaces aspartic acid 2 with glycine.
Molecular consequence: missense variant.
Genome position (GRCh38, 1-based): chr7:50,319,066, A>G. VCF-style: chr7-50319066-A-G. GRCh37 (hg19) VCF-style: chr7-50358662-A-G.
Other names: c.5A>G, p.Asp2Gly (NM_001220765.3, NM_001220767.2, NM_001220768.2 and 14 more transcripts); short protein forms D2G.
Identifiers: ClinVar variation 3659175 (VCV003659175.2).
Genomic context (GRCh38, chr7:50,319,066, plus strand): 5'-GTATTTTTGCTTTAAACTAAAATCCCTTCCTCTCTTTCTCAGATAACCTGAGGACCATGG[A>G]TGCTGATGAGGGTCAAGACATGTCCCAAGTTTCAGGTGAGACCTTATGAGATAGCTGTGT-3'
Protein context (NP_006051.1, residues 1-12): M[Asp2Gly]ADEGQDMSQV